The following is an entry in ClinVar:

ClinVar aggregate classification (germline): Uncertain significance. Review status: criteria provided, single submitter (1 of 4 stars). 2 submissions from 2 submitters: Uncertain significance (1). 1 of the submissions does not count toward it. Last evaluated 2023-06-09.

Conditions:
Lowe syndrome (OCRL). Also called: PHOSPHATIDYLINOSITOL 4,5-BISPHOSPHATE 5-PHOSPHATASE DEFICIENCY; Oculocerebrorenal Syndrome; LOWE OCULOCEREBRORENAL SYNDROME. Identifiers: Orphanet 534, MedGen C0028860, MONDO:0010645, OMIM 309000.

Submissions (2):

3billion
Classification: Uncertain significance for Lowe syndrome. Last evaluated: 2023-06-09. Review status: criteria provided, single submitter. Criteria: ACMG Guidelines, 2015. Collection method: clinical testing. Allele origin: germline. Affected: yes.
Comment: The variant is not observed in the gnomAD v2.1.1 dataset. Predicted Consequence/Location: Missense variant In silico tool predictions suggest damaging effect of the variant on gene or gene product (REVEL: 0.96; 3Cnet: 0.96). Same nucleotide change resulting in same amino acid change has been previously reported to be associated with OCRL related disorder (PMID: 21031565). However, the evidence of pathogenicity is insufficient at this time. Therefore, this variant is classified as VUS according to the recommendation of ACMG/AMP guideline.

UniProtKB/Swiss-Prot
No classification provided. Condition: Lowe syndrome. Review status: no classification provided. Collection method: not provided. Allele origin: germline. Not counted in ClinVar's aggregate classification.

Literature cited by the submitters: PubMed 21031565 (cited by 3billion).

NM_000276.4(OCRL):c.1115T>G (p.Val372Gly)

Gene: OCRL (OCRL inositol polyphosphate-5-phosphatase; plus strand). Cytogenetic location: Xq26.1.
Variant type: single nucleotide variant.
Coding change: c.1115T>G on transcript NM_000276.4 (MANE Select); coding-DNA position 1115, T replaced by G.
Protein change: p.Val372Gly; replaces valine 372 with glycine.
Molecular consequence: missense variant.
Genome position (GRCh38, 1-based): chrX:129,562,657, T>G. VCF-style: chrX-129562657-T-G. GRCh37 (hg19) VCF-style: chrX-128696634-T-G.
Other names: c.1118T>G, p.Val373Gly (NM_001318784.2); c.1115T>G, p.Val372Gly (NM_001587.4); short protein forms V372G, V373G.
Identifiers: ClinVar variation 68699 (VCV000068699.2), dbSNP rs137853834, ClinGen allele CA266143.